The following is an entry in ClinVar:

ClinVar aggregate classification (germline): Pathogenic/Likely pathogenic. Review status: criteria provided, multiple submitters, no conflicts (2 of 4 stars). 2 submissions from 2 submitters: Pathogenic (1); Likely pathogenic (1). Last evaluated 2022-10-22.

Conditions:
Amyloidosis, hereditary systemic 1 (AMYLD1). Also called: AMYLOID CARDIOMYOPATHY; Familial amyloid polyneuropathy; Transthyretin Amyloidosis; Hereditary Transthyretin Amyloidosis; Isolated Cardiac Amyloidosis; Amyloid Cardiomyopathy, Transthyretin-related. Identifiers: Orphanet 85447, Orphanet 85451, MedGen C2751492, MONDO:0971004, OMIM 105210.
Cardiovascular phenotype. Identifiers: MedGen CN230736.

Submissions (2):

Genetic Medico-Diagnostic Laboratory Genica
Classification: Pathogenic for Amyloidosis, hereditary systemic 1. Last evaluated: 2022-10-22. Review status: criteria provided, single submitter. Criteria: ACMG Guidelines, 2015. Collection method: clinical testing. Allele origin: germline. Inheritance: Autosomal dominant inheritance. Affected: yes. Observed: 4 variant alleles.
Comment: The variant was classified as pathogenic according to the ACMG Guidelines, 2015. The variant was not found in the control populations from the gnomAD v2.1.1 project. There are three Pathogenic or Likely Pathogenic variants in the same codon: p.Glu74Gly (ClinVar Variation ID 811803), p.Glu74Ala (ClinVar Variation ID 1519705) and p.Glu74Lys (ClinVar Variation ID 636837). The variant has been reported several times in association with hereditary transthyretin amyloidosis, OMIM 105210, vATTR (PMID: 17554795;31169435). A rare alternative variant c.220_221delGAinsTT, which leads to the same amino acid change has also been reported in association with vATTR (PMID: 30328212).

Ambry Genetics
Classification: Likely pathogenic for Cardiovascular phenotype. Last evaluated: 2014-11-02. Review status: criteria provided, single submitter. Criteria: Ambry Variant Classification Scheme 2023. Collection method: clinical testing. Allele origin: germline.
Comment: The p.E74L variant (also known as c.220_221delGAinsCT and E54L), located in coding exon 3 of the TTR gene, results from an in-frame deletion of GA and insertion of CT between nucleotide positions 220 and 221. This results in the substitution of the residue for a leucine residue at codon 74, an amino acid with dissimilar properties. Although this alteration has not been reported in the literature, two disease-causing mutations, p.E74G and p.E74K, have been described in the same codon. In addition, functional studies of those two disease-causing mutations indicate that this amino acid position is functionally important for tetramer stability and thyroxine binding (Miyata M et al. Biochemistry. 2010;49(1):114-23). This variant was not reported in population based cohorts in the following databases: Database of Single Nucleotide Polymorphisms (dbSNP), NHLBI Exome Sequencing Project (ESP), and 1000 Genomes Project. In the ESP, this variant was not observed in 6503 samples (13006 alleles) with coverage at this position. This amino acid position is highly conserved in available vertebrate species. Based on the majority of available evidence to date, this variant is likely to be pathogenic.

Literature cited by the submitters: PubMed 31169435 (cited by Genetic Medico-Diagnostic Laboratory Genica); PubMed 19950966 (cited by Genetic Medico-Diagnostic Laboratory Genica and Ambry Genetics).

NM_000371.4(TTR):c.220_221delinsCT (p.Glu74Leu)

Gene: TTR (transthyretin; plus strand). Cytogenetic location: 18q12.1.
Variant type: Indel.
Coding change: c.220_221delinsCT on transcript NM_000371.4 (MANE Select); coding-DNA positions 220 to 221, GA replaced by CT.
Protein change: p.Glu74Leu; replaces glutamic acid 74 with leucine.
Molecular consequence: missense variant.
Genome position (GRCh38, 1-based): chr18:31,595,139-31,595,140, GA replaced by CT. VCF-style: chr18-31595139-GA-CT. GRCh37 (hg19) VCF-style: chr18-29175102-GA-CT.
Other names: c.220_221delGAinsCT (NM_000371.4); short protein forms E74L.
Identifiers: ClinVar variation 1712259 (VCV001712259.3), dbSNP rs730881168, ClinGen allele CA2580095592.
Genomic context (GRCh38, chr18:31,595,139, plus strand): 5'-TCCTCCATGCGTAACTTAATCCAGACTTTCACACCTTATAGGAAAACCAGTGAGTCTGGA[GA>CT]GCTGCATGGGCTCACAACTGAGGAGGAATTTGTAGAAGGGATATACAAAGTGGAAATAGA-3'
Protein context (NP_000362.1, residues 64-84): FASGKTSESG[Glu74Leu]LHGLTTEEEF